The following is an entry in ClinVar:

NM_025193.4(HSD3B7):c.580A>G (p.Ile194Val)

Gene: HSD3B7 (hydroxy-delta-5-steroid dehydrogenase, 3 beta- and steroid delta-isomerase 7; plus strand). Cytogenetic location: 16p11.2.
Variant type: single nucleotide variant.
Coding change: c.580A>G on transcript NM_025193.4 (MANE Select); coding-DNA position 580, A replaced by G.
Protein change: p.Ile194Val; replaces isoleucine 194 with valine.
Molecular consequence: missense variant. On other transcripts: intron variant (2).
Genome position (GRCh38, 1-based): chr16:30,986,888, A>G. VCF-style: chr16-30986888-A-G. GRCh37 (hg19) VCF-style: chr16-30998209-A-G.
Other names: c.531+184A>G (NM_001142777.2, NM_001142778.2); short protein forms I194V.
Identifiers: ClinVar variation 3346723 (VCV003346723.1).

ClinVar aggregate classification (germline): Uncertain significance (0 of 4 stars; one submission).

Conditions:
HSD3B7-related disorder. Also called: HSD3B7-related condition.

gnomAD v4.1: 5 of 1,613,824 alleles (0.00031%); highest among the groups gnomAD compares: African/African-American, 0.0053%; no homozygotes.

Submission:

PreventionGenetics, part of Exact Sciences
Classification: Uncertain significance for HSD3B7-related condition. Last evaluated: 2024-06-28. Review status: no assertion criteria provided. Collection method: clinical testing. Allele origin: germline.
Comment: The HSD3B7 c.580A>G variant is predicted to result in the amino acid substitution p.Ile194Val. To our knowledge, this variant has not been reported in the literature. This variant is reported in 0.016% of alleles in individuals of African descent in gnomAD. At this time, the clinical significance of this variant is uncertain due to the absence of conclusive functional and genetic evidence.